The following is an entry in ClinVar:

NM_015001.3(SPEN):c.2787G>T (p.Leu929Phe)

Gene: SPEN (spen family transcriptional repressor; plus strand). Cytogenetic location: 1p36.13.
Variant type: single nucleotide variant.
Coding change: c.2787G>T on transcript NM_015001.3 (MANE Select); coding-DNA position 2787, G replaced by T.
Protein change: p.Leu929Phe; replaces leucine 929 with phenylalanine.
Molecular consequence: missense variant.
Genome position (GRCh38, 1-based): chr1:15,929,027, G>T. VCF-style: chr1-15929027-G-T. GRCh37 (hg19) VCF-style: chr1-16255522-G-T.
Other names: short protein forms L929F.
Identifiers: ClinVar variation 4957881 (VCV004957881.2).
Genomic context (GRCh38, chr1:15,929,027, plus strand): 5'-ATCTTCTGCCCTGGACCAGAAACTTCAGGTCTCTCAGACGGAGCCTGCAAAATCTGACTT[G>T]TCTAAACTGGAATCAGTTAGAATGAAAGTACCAAAGGAAAAGGGGCTTTCAAGCCATGTT-3'
Protein context (NP_055816.2, residues 919-939): VSQTEPAKSD[Leu929Phe]SKLESVRMKV

ClinVar aggregate classification (germline): Uncertain significance. Review status: criteria provided, multiple submitters, no conflicts (2 of 4 stars). 2 submissions from 2 submitters: Uncertain significance (2). Last evaluated 2026-09-01.

gnomAD v4.1: 3 of 1,614,074 alleles (0.00019%); highest among the groups gnomAD compares: South Asian, 0.0011%; no homozygotes.

Submissions (2):

CeGaT Center for Human Genetics Tuebingen
Classification: Uncertain significance. Last evaluated: 2026-09-01. Review status: criteria provided, single submitter. Criteria: CeGaT Center For Human Genetics Tuebingen Variant Classification Criteria Version 2. Collection method: clinical testing. Allele origin: germline. Affected: yes. Observed: 1 variant allele.
Comment: SPEN: PM2:Supporting, BP4

Blueprint Genetics
Classification: Uncertain significance. Last evaluated: 2023-02-28. Review status: criteria provided, single submitter. Criteria: ACMG Guidelines, 2015. Collection method: clinical testing. Allele origin: germline.